The following is an entry in ClinVar:

NM_001458.5(FLNC):c.5405T>C (p.Val1802Ala)

Genes: FLNC (filamin C; plus strand), FLNC-AS1 (FLNC antisense RNA 1; minus strand). Cytogenetic location: 7q32.1.
Variant type: single nucleotide variant.
Coding change: c.5405T>C on transcript NM_001458.5 (MANE Select); coding-DNA position 5405, T replaced by C.
Protein change: p.Val1802Ala; replaces valine 1802 with alanine.
Molecular consequence: missense variant.
Genome position (GRCh38, 1-based): chr7:128,850,809, T>C. VCF-style: chr7-128850809-T-C. GRCh37 (hg19) VCF-style: chr7-128490863-T-C.
Other names: c.5306T>C, p.Val1769Ala (NM_001127487.2); short protein forms V1769A, V1802A.
Identifiers: ClinVar variation 2575582 (VCV002575582.2), dbSNP rs2536654517, ClinGen allele CA369206572.

ClinVar aggregate classification (germline): Uncertain significance. Review status: criteria provided, multiple submitters, no conflicts (2 of 4 stars). 2 submissions from 2 submitters: Uncertain significance (2). Last evaluated 2026-03-26.

Conditions:
Cardiovascular phenotype. Identifiers: MedGen CN230736.

Submissions (2):

Ambry Genetics
Classification: Uncertain significance for Cardiovascular phenotype. Last evaluated: 2026-03-26. Review status: criteria provided, single submitter. Criteria: Ambry Variant Classification Scheme 2023. Collection method: clinical testing. Allele origin: germline.

GeneDx
Classification: Uncertain significance. Last evaluated: 2023-02-09. Review status: criteria provided, single submitter. Criteria: GeneDx Variant Classification Process June 2021. Collection method: clinical testing. Allele origin: germline. Affected: yes.
Comment: Not observed at significant frequency in large population cohorts (gnomAD); In silico analysis supports that this missense variant has a deleterious effect on protein structure/function; Has not been previously published as pathogenic or benign to our knowledge